The following is an entry in ClinVar:

NM_001330260.2(SCN8A):c.5566C>G (p.Leu1856Val)

Gene: SCN8A (sodium voltage-gated channel alpha subunit 8; plus strand). Cytogenetic location: 12q13.13.
Variant type: single nucleotide variant.
Coding change: c.5566C>G on transcript NM_001330260.2 (MANE Select); coding-DNA position 5566, C replaced by G.
Protein change: p.Leu1856Val; replaces leucine 1856 with valine.
Molecular consequence: missense variant.
Genome position (GRCh38, 1-based): chr12:51,807,052, C>G. VCF-style: chr12-51807052-C-G. GRCh37 (hg19) VCF-style: chr12-52200836-C-G.
Other names: c.5443C>G, p.Leu1815Val (NM_001177984.3, NM_001369788.1); c.5566C>G, p.Leu1856Val (NM_014191.4); short protein forms L1815V, L1856V.
Identifiers: ClinVar variation 3158574 (VCV003158574.1), dbSNP rs2540335501, ClinGen allele CA384887578.

ClinVar aggregate classification (germline): Uncertain significance (1 of 4 stars; one submission).

Conditions:
Inborn genetic diseases. Identifiers: MedGen C0950123, MeSH D030342.

Submission:

Ambry Genetics
Classification: Uncertain significance for Inborn genetic diseases. Last evaluated: 2023-12-21. Review status: criteria provided, single submitter. Criteria: Ambry Variant Classification Scheme 2023. Collection method: clinical testing. Allele origin: germline.
Comment: The c.5566C>G (p.L1856V) alteration is located in exon 27 (coding exon 26) of the SCN8A gene. This alteration results from a C to G substitution at nucleotide position 5566, causing the leucine (L) at amino acid position 1856 to be replaced by a valine (V). This variant was not reported in population-based cohorts in the Genome Aggregation Database (gnomAD). This amino acid position is highly conserved in available vertebrate species. This missense alteration is located in a region that has a low rate of benign missense variation (Lek, 2016; Firth, 2009). This alteration is predicted to be deleterious by in silico analysis. Based on insufficient or conflicting evidence, the clinical significance of this alteration remains unclear.